The following is an entry in ClinVar:

NM_006383.4(CIB2):c.366C>T (p.Phe122=)

Gene: CIB2 (calcium and integrin binding family member 2; minus strand). Cytogenetic location: 15q25.1.
Variant type: single nucleotide variant.
Coding change: c.366C>T on transcript NM_006383.4 (MANE Select); coding-DNA position 366, C replaced by T.
Protein change: p.Phe122=; no amino-acid change (phenylalanine 122 retained).
Molecular consequence: synonymous variant. On other transcripts: non-coding transcript variant (1).
Genome position (GRCh38, 1-based): chr15:78,105,915, G>A on the plus strand (C>T on the coding strand, the complement: CIB2 is on the minus strand). VCF-style: chr15-78105915-G-A. GRCh37 (hg19) VCF-style: chr15-78398257-G-A.
Other names: c.237C>T, p.Phe79= (NM_001271888.2); c.219C>T, p.Phe73= (NM_001271889.2); c.381C>T, p.Phe127= (NM_001301224.2).
Identifiers: ClinVar variation 1119392 (VCV001119392.12), dbSNP rs374836619, ClinGen allele CA7680182.

ClinVar aggregate classification (germline): Conflicting classifications of pathogenicity. Review status: criteria provided, conflicting classifications (1 of 4 stars). 3 submissions from 3 submitters: Uncertain significance (1); Likely benign (2). Last evaluated 2025-04-29.

Allele frequency attached by ClinVar (database versions not stated): gnomAD exomes 0.00001 and 0.00005; ExAC 0.00005; gnomAD 0.00021 and 0.00022; ESP Exome Variant Server 0.00023; TOPMed 0.00027; 1000 Genomes Project 0.00040; 1000 Genomes Project 30x 0.00078.
gnomAD v4.1: 54 of 1,614,138 alleles (0.0033%); highest among the groups gnomAD compares: African/African-American, 0.06%; no homozygotes.

Submissions (3):

Labcorp Genetics (formerly Invitae), Labcorp
Classification: Likely benign. Last evaluated: 2025-04-29. Review status: criteria provided, single submitter. Criteria: Invitae Variant Classification Sherloc (09022015). Collection method: clinical testing. Allele origin: germline.

GeneDx
Classification: Uncertain significance. Last evaluated: 2025-02-03. Review status: criteria provided, single submitter. Criteria: GeneDx Variant Classification Process June 2021. Collection method: clinical testing. Allele origin: germline. Affected: yes.
Comment: In silico analysis indicates that this variant does not alter splicing; Has not been previously published as pathogenic or benign to our knowledge

Blueprint Genetics
Classification: Likely benign. Last evaluated: 2022-11-13. Review status: criteria provided, single submitter. Criteria: ACMG Guidelines, 2015. Collection method: clinical testing. Allele origin: germline.